The following is an entry in ClinVar:

ClinVar aggregate classification (germline): Uncertain significance (1 of 4 stars; one submission).

Conditions:
TH-deficient dopa-responsive dystonia. Also called: Tyrosine Hydroxylase-Deficient Dopa-Responsive Dystonia; Segawa syndrome, autosomal recessive; DYT-TH. Identifiers: Orphanet 101150, MedGen C2673535, MONDO:0011551, OMIM 605407.

Allele frequency attached by ClinVar (database versions not stated): gnomAD 0.00002.
gnomAD v4.1: 10 of 1,609,576 alleles (0.00062%); highest among the groups gnomAD compares: East Asian, 0.0022%; no homozygotes.

Submission:

Labcorp Genetics (formerly Invitae), Labcorp
Classification: Uncertain significance for TH-deficient dopa-responsive dystonia. Last evaluated: 2022-05-28. Review status: criteria provided, single submitter. Criteria: Invitae Variant Classification Sherloc (09022015). Collection method: clinical testing. Allele origin: germline.
Comment: This sequence change replaces alanine, which is neutral and non-polar, with serine, which is neutral and polar, at codon 149 of the TH protein (p.Ala149Ser). This variant is not present in population databases (gnomAD no frequency). This variant has not been reported in the literature in individuals affected with TH-related conditions. Advanced modeling of protein sequence and biophysical properties (such as structural, functional, and spatial information, amino acid conservation, physicochemical variation, residue mobility, and thermodynamic stability) performed at Invitae indicates that this missense variant is not expected to disrupt TH protein function. In summary, the available evidence is currently insufficient to determine the role of this variant in disease. Therefore, it has been classified as a Variant of Uncertain Significance.

NM_000360.4(TH):c.352G>T (p.Ala118Ser)

Gene: TH (tyrosine hydroxylase; minus strand). Cytogenetic location: 11p15.5.
Variant type: single nucleotide variant.
Coding change: c.352G>T on transcript NM_000360.4 (MANE Select); coding-DNA position 352, G replaced by T.
Protein change: p.Ala118Ser; replaces alanine 118 with serine.
Molecular consequence: missense variant.
Genome position (GRCh38, 1-based): chr11:2,168,626, C>A on the plus strand (G>T on the coding strand, the complement: TH is on the minus strand). VCF-style: chr11-2168626-C-A. GRCh37 (hg19) VCF-style: chr11-2189856-C-A.
Other names: c.445G>T, p.Ala149Ser (NM_199292.3); c.433G>T, p.Ala145Ser (NM_199293.3); short protein forms A145S, A118S, A149S.
Identifiers: ClinVar variation 2171155 (VCV002171155.1), dbSNP rs775721911, ClinGen allele CA5818698.